The following is an entry in ClinVar:

ClinVar aggregate classification (germline): Uncertain significance (1 of 4 stars; one submission).

Conditions:
Asphyxiating thoracic dystrophy 5 (SRTD5). Also called: SHORT-RIB THORACIC DYSPLASIA 5 WITH OR WITHOUT POLYDACTYLY; SHORT-RIB THORACIC DYSPLASIA 5 WITHOUT POLYDACTYLY. Identifiers: Orphanet 474, MedGen C3280598, MONDO:0013717, OMIM 614376.
Senior-Loken syndrome 8 (SLSN8). Identifiers: Orphanet 3156, MedGen C4225376, MONDO:0014579, OMIM 616307.

Submission:

Labcorp Genetics (formerly Invitae), Labcorp
Classification: Uncertain significance for Senior-Loken syndrome 8; Asphyxiating thoracic dystrophy 5. Last evaluated: 2019-11-29. Review status: criteria provided, single submitter. Criteria: Invitae Variant Classification Sherloc (09022015). Collection method: clinical testing. Allele origin: germline.
Comment: In summary, the available evidence is currently insufficient to determine the role of this variant in disease. Therefore, it has been classified as a Variant of Uncertain Significance. Experimental studies and prediction algorithms are not available or were not evaluated, and the functional significance of this variant is currently unknown. This variant has not been reported in the literature in individuals with WDR19-related conditions. This variant is not present in population databases (ExAC no frequency). This variant, c.3912_3917dup, results in the insertion of 2 amino acid(s) to the WDR19 protein (p.?), but otherwise preserves the integrity of the reading frame.

NM_025132.4(WDR19):c.3913_3917+1dup

Gene: WDR19 (WD repeat domain 19; plus strand). Cytogenetic location: 4p14.
Variant type: Duplication.
Coding change: c.3913_3917+1dup on transcript NM_025132.4 (MANE Select); coding-DNA position 3913 through the canonical splice donor site of the intron after coding-DNA position 3917, 6 bases duplicated (AAGATG; older notation c.3913_3917+1dupAAGATG).
Molecular consequence: splice donor variant.
Genome position (GRCh38, 1-based): chr4:39,278,203-39,278,208, AAGATG duplicated; duplicating any 6 consecutive bases within chr4:39,278,201-39,278,208 gives the same sequence; the c. name uses the placement nearest the transcript's 3' end. VCF-style (leftmost placement, unchanged base first): chr4-39278200-T-TTGAAGA. GRCh37 (hg19) VCF-style: chr4-39279820-T-TTGAAGA.
Other names: c.3433_3437+1dup (NM_001317924.2).
Identifiers: ClinVar variation 966283 (VCV000966283.8), dbSNP rs1736099193, ClinGen allele CA1139658470.